The following is an entry in ClinVar:

ClinVar aggregate classification (germline): Pathogenic (1 of 4 stars; one submission).

Conditions:
Hereditary cancer-predisposing syndrome. Also called: Neoplastic Syndromes, Hereditary; Tumor predisposition; Hereditary neoplastic syndrome; Hereditary Cancer Syndrome. Identifiers: Orphanet 140162, MedGen C0027672, MeSH D009386, MONDO:0015356.

Submission:

Ambry Genetics
Classification: Pathogenic for Hereditary cancer-predisposing syndrome. Last evaluated: 2025-07-08. Review status: criteria provided, single submitter. Criteria: Ambry Variant Classification Scheme 2023. Collection method: clinical testing. Allele origin: germline.
Comment: The c.135_138delTCGG pathogenic mutation, located in coding exon 1 of the CDKN2A gene, results from a deletion of 4 nucleotides at nucleotide positions 135 to 138, causing a translational frameshift with a predicted alternate stop codon (p.R46Gfs*6). This variant is considered to be rare based on population cohorts in the Genome Aggregation Database (gnomAD). This alteration is expected to result in loss of function by premature protein truncation or nonsense-mediated mRNA decay. As such, this alteration is interpreted as a disease-causing mutation.

NM_000077.5(CDKN2A):c.135_138del (p.Arg46fs)

Gene: CDKN2A (cyclin dependent kinase inhibitor 2A; minus strand). Cytogenetic location: 9p21.3.
Variant type: Deletion.
Coding change: c.135_138del on transcript NM_000077.5; coding-DNA positions 135 to 138, 4 bases deleted (TCGG; older notation c.135_138delTCGG).
Protein change: p.Arg46fs; shifts the reading frame from arginine 46.
Molecular consequence: frameshift variant (on NM_000077.6). On other transcripts: intron variant (2).
Genome position (GRCh38, 1-based): chr9:21,974,690-21,974,693, CCGA deleted on the plus strand (TCGG on the coding strand, the reverse complement: CDKN2A is on the minus strand); deleting any 4 consecutive bases within chr9:21,974,690-21,974,696 gives the same sequence; the c. name uses the placement nearest the transcript's 3' end. VCF-style (leftmost placement, unchanged base first): chr9-21974689-TCCGA-T. GRCh37 (hg19) VCF-style: chr9-21974688-TCCGA-T.
Other names: c.132_135delCGGT, p.Arg46Glyfs (NM_000077.6); c.135_138del, p.Arg46fs (NM_001195132.2, NM_058197.5); c.-3-3485_-3-3482del (NM_001363763.2); c.194-3485_194-3482del (NM_058195.4); c.135_138delTCGG (NM_000077.4); short protein forms R46fs.
Identifiers: ClinVar variation 4224777 (VCV004224777.1).